The following is an entry in ClinVar:

ClinVar aggregate classification (germline): Uncertain significance. Review status: criteria provided, multiple submitters, no conflicts (2 of 4 stars). 2 submissions from 2 submitters: Uncertain significance (2). Last evaluated 2024-02-20.

Allele frequency attached by ClinVar (database versions not stated): gnomAD exomes below 0.00001; ExAC 0.00001.

Submissions (2):

Labcorp Genetics (formerly Invitae), Labcorp
Classification: Uncertain significance. Last evaluated: 2024-02-20. Review status: criteria provided, single submitter. Criteria: Invitae Variant Classification Sherloc (09022015). Collection method: clinical testing. Allele origin: germline.
Comment: This sequence change replaces lysine, which is basic and polar, with arginine, which is basic and polar, at codon 343 of the RELA protein (p.Lys343Arg). This variant is present in population databases (rs764810980, gnomAD 0.0009%). This variant has not been reported in the literature in individuals affected with RELA-related conditions. An algorithm developed to predict the effect of missense changes on protein structure and function (PolyPhen-2) suggests that this variant is likely to be tolerated. In summary, the available evidence is currently insufficient to determine the role of this variant in disease. Therefore, it has been classified as a Variant of Uncertain Significance.

Ambry Genetics
Classification: Uncertain significance. Last evaluated: 2024-02-05. Review status: criteria provided, single submitter. Criteria: Ambry Variant Classification Scheme 2023. Collection method: clinical testing. Allele origin: germline.

NM_021975.4(RELA):c.1028A>G (p.Lys343Arg)

Gene: RELA (RELA proto-oncogene, NF-kB subunit; minus strand). Cytogenetic location: 11q13.1.
Variant type: single nucleotide variant.
Coding change: c.1028A>G on transcript NM_021975.4 (MANE Select); coding-DNA position 1028, A replaced by G.
Protein change: p.Lys343Arg; replaces lysine 343 with arginine.
Molecular consequence: missense variant.
Genome position (GRCh38, 1-based): chr11:65,655,693, T>C on the plus strand (A>G on the coding strand, the complement: RELA is on the minus strand). VCF-style: chr11-65655693-T-C. GRCh37 (hg19) VCF-style: chr11-65423164-T-C.
Other names: c.935A>G, p.Lys312Arg (NM_001404663.1, NM_001404662.1); c.1019A>G, p.Lys340Arg (NM_001145138.2); c.1028A>G, p.Lys343Arg (NM_001243984.2, NM_001243985.2); c.1061A>G, p.Lys354Arg (NM_001404657.1); c.1001A>G, p.Lys334Arg (NM_001404658.1); c.815A>G, p.Lys272Arg (NM_001404659.1); c.710A>G, p.Lys237Arg (NM_001404660.1); c.647A>G, p.Lys216Arg (NM_001404661.1); short protein forms K340R, K237R, K272R, K354R, K312R, K334R, K343R, K216R.
Identifiers: ClinVar variation 3152889 (VCV003152889.3), dbSNP rs764810980, ClinGen allele CA6106702.